The following is an entry in ClinVar:

ClinVar aggregate classification (germline): Uncertain significance (1 of 4 stars; one submission).

Allele frequency attached by ClinVar (database versions not stated): gnomAD exomes below 0.00001.
gnomAD v4.1: 5 of 1,614,162 alleles (0.00031%); highest among the groups gnomAD compares: South Asian, 0.0033%; 1 homozygote.

Submission:

Labcorp Genetics (formerly Invitae), Labcorp
Classification: Uncertain significance. Last evaluated: 2022-07-21. Review status: criteria provided, single submitter. Criteria: Invitae Variant Classification Sherloc (09022015). Collection method: clinical testing. Allele origin: germline.
Comment: This sequence change replaces arginine, which is basic and polar, with glutamine, which is neutral and polar, at codon 138 of the TIMP3 protein (p.Arg138Gln). In summary, the available evidence is currently insufficient to determine the role of this variant in disease. Therefore, it has been classified as a Variant of Uncertain Significance. Algorithms developed to predict the effect of missense changes on protein structure and function (SIFT, PolyPhen-2, Align-GVGD) all suggest that this variant is likely to be tolerated. This variant has not been reported in the literature in individuals affected with TIMP3-related conditions. This variant is present in population databases (no rsID available, gnomAD 0.01%), including at least one homozygous and/or hemizygous individual.

NM_000362.5(TIMP3):c.413G>A (p.Arg138Gln)

Genes: SYN3 (synapsin III; minus strand), TIMP3 (TIMP metallopeptidase inhibitor 3; plus strand). Cytogenetic location: 22q12.3.
Variant type: single nucleotide variant.
Coding change: c.413G>A on transcript NM_000362.5 (MANE Select); coding-DNA position 413, G replaced by A.
Protein change: p.Arg138Gln; replaces arginine 138 with glutamine.
Molecular consequence: missense variant. On other transcripts: intron variant (7).
Genome position (GRCh38, 1-based): chr22:32,858,113, G>A. VCF-style: chr22-32858113-G-A. GRCh37 (hg19) VCF-style: chr22-33254100-G-A.
Other names: c.708+6802C>T (NM_001135774.2, NM_001369910.1, NM_001369909.1); c.711+6802C>T (NM_003490.4, NM_001369908.1, NM_133633.3 and 1 more transcripts); short protein forms R138Q.
Identifiers: ClinVar variation 1721332 (VCV001721332.5), dbSNP rs1462196369, ClinGen allele CA411539832.